The following is an entry in ClinVar:

ClinVar aggregate classification (germline): Likely benign (1 of 4 stars; one submission).

Allele frequency attached by ClinVar (database versions not stated): 1000 Genomes Project 0.00821; 1000 Genomes Project 30x 0.00916; gnomAD 0.01044 and 0.01144; TOPMed 0.01223.
gnomAD v4.1: 1,146 of 110,480 alleles (1%); highest among the groups gnomAD compares: African/African-American, 3.6%; 17 homozygotes.

Submission:

GeneDx
Classification: Likely benign. Last evaluated: 2018-06-19. Review status: criteria provided, single submitter. Criteria: GeneDx Variant Classification (06012015). Collection method: clinical testing. Allele origin: germline. Affected: yes.
Comment: This variant is considered likely benign or benign based on one or more of the following criteria: it is a conservative change, it occurs at a poorly conserved position in the protein, it is predicted to be benign by multiple in silico algorithms, and/or has population frequency not consistent with disease.

NM_001079855.2(GYG2):c.1252-292C>G

Gene: GYG2 (glycogenin 2; plus strand). Cytogenetic location: Xp22.33.
Variant type: single nucleotide variant.
Coding change: c.1252-292C>G on transcript NM_001079855.2 (MANE Select); 292 bases into the intron before coding-DNA position 1252, C replaced by G.
Molecular consequence: intron variant.
Genome position (GRCh38, 1-based): chrX:2,880,760, C>G. VCF-style: chrX-2880760-C-G. GRCh37 (hg19) VCF-style: chrX-2798801-C-G.
Other names: c.1345-292C>G (NM_003918.3); c.1132-292C>G (NM_001184703.2); c.1249-292C>G (NM_001184702.2); c.574-292C>G (NM_001184704.2).
Identifiers: ClinVar variation 674121 (VCV000674121.1), dbSNP rs73435448, ClinGen allele CA325975129.